The following is an entry in ClinVar:

NM_053013.4(ENO3):c.547C>T (p.Arg183Cys)

Gene: ENO3 (enolase 3; plus strand). Cytogenetic location: 17p13.2.
Variant type: single nucleotide variant.
Coding change: c.547C>T on transcript NM_053013.4 (MANE Select); coding-DNA position 547, C replaced by T.
Protein change: p.Arg183Cys; replaces arginine 183 with cysteine.
Molecular consequence: missense variant.
Genome position (GRCh38, 1-based): chr17:4,955,177, C>T. VCF-style: chr17-4955177-C-T. GRCh37 (hg19) VCF-style: chr17-4858472-C-T.
Other names: p.Arg183Cys; c.418C>T, p.Arg140Cys (NM_001193503.2); c.547C>T, p.Arg183Cys (NM_001374523.1, NM_001976.5); c.574C>T, p.Arg192Cys (NM_001374524.1); short protein forms R183C, R192C, R140C.
Identifiers: ClinVar variation 2166827 (VCV002166827.5), dbSNP rs752180575, ClinGen allele CA8316344.
Genomic context (GRCh38, chr17:4,955,177, plus strand): 5'-CTGGCCATGCAGGAGTTCATGATTCTGCCTGTGGGAGCCAGCTCCTTCAAGGAAGCCATG[C>T]GCATTGGCGCCGAGGTCTACCACCACCTCAAGGGGGTCATCAAGGCCAAGTATGGGAAGG-3'
Protein context (NP_443739.3, residues 173-193): VGASSFKEAM[Arg183Cys]IGAEVYHHLK

ClinVar aggregate classification (germline): Uncertain significance. Review status: criteria provided, multiple submitters, no conflicts (2 of 4 stars). 2 submissions from 2 submitters: Uncertain significance (2). Last evaluated 2025-10-09.

Conditions:
Glycogen storage disease due to muscle beta-enolase deficiency (GSD13). Also called: Glycogen Storage Disease Type XIII; ENOLASE 3 DEFICIENCY; ENOLASE-BETA DEFICIENCY; GSD XIII. Identifiers: Orphanet 99849, MedGen C2752027, MONDO:0013046, OMIM 612932.

Allele frequency attached by ClinVar (database versions not stated): gnomAD exomes 0.00001; TOPMed 0.00001; ExAC 0.00002.
gnomAD v4.1: 12 of 1,614,240 alleles (0.00074%); highest among the groups gnomAD compares: South Asian, 0.0055%; no homozygotes.

Submissions (2):

Mayo Clinic Laboratories, Mayo Clinic
Classification: Uncertain significance. Last evaluated: 2025-10-09. Review status: criteria provided, single submitter. Criteria: ACMG Guidelines, 2015. Collection method: clinical testing. Allele origin: germline. Observed: 1 variant allele.

Labcorp Genetics (formerly Invitae), Labcorp
Classification: Uncertain significance for Glycogen storage disease due to muscle beta-enolase deficiency. Last evaluated: 2022-07-25. Review status: criteria provided, single submitter. Criteria: Invitae Variant Classification Sherloc (09022015). Collection method: clinical testing. Allele origin: germline.
Comment: In summary, the available evidence is currently insufficient to determine the role of this variant in disease. Therefore, it has been classified as a Variant of Uncertain Significance. Algorithms developed to predict the effect of missense changes on protein structure and function are either unavailable or do not agree on the potential impact of this missense change (SIFT: "Deleterious"; PolyPhen-2: "Probably Damaging"; Align-GVGD: "Class C0"). This variant has not been reported in the literature in individuals affected with ENO3-related conditions. This variant is present in population databases (rs752180575, gnomAD 0.006%). This sequence change replaces arginine, which is basic and polar, with cysteine, which is neutral and slightly polar, at codon 183 of the ENO3 protein (p.Arg183Cys).

Literature cited by the submitters: PubMed 33004838 (cited by Mayo Clinic Laboratories, Mayo Clinic).